The following is an entry in ClinVar:

ClinVar aggregate classification (germline): Uncertain significance (1 of 4 stars; one submission).

Submission:

CeGaT Center for Human Genetics Tuebingen
Classification: Uncertain significance. Last evaluated: 2026-08-01. Review status: criteria provided, single submitter. Criteria: CeGaT Center For Human Genetics Tuebingen Variant Classification Criteria Version 2. Collection method: clinical testing. Allele origin: germline. Affected: yes. Observed: 1 variant allele.
Comment: KAT8: PM2

NM_032188.3(KAT8):c.894T>G (p.Ile298Met)

Gene: KAT8 (lysine acetyltransferase 8; plus strand). Cytogenetic location: 16p11.2.
Variant type: single nucleotide variant.
Coding change: c.894T>G on transcript NM_032188.3 (MANE Select); coding-DNA position 894, T replaced by G.
Protein change: p.Ile298Met; replaces isoleucine 298 with methionine.
Molecular consequence: missense variant.
Genome position (GRCh38, 1-based): chr16:31,130,139, T>G. VCF-style: chr16-31130139-T-G. GRCh37 (hg19) VCF-style: chr16-31141460-T-G.
Other names: c.894T>G, p.Ile298Met (NM_182958.4); short protein forms I298M.
Identifiers: ClinVar variation 5040722 (VCV005040722.1).